The following is an entry in ClinVar:

NM_001164496.2(CFAP44):c.1157A>G (p.Asp386Gly)

Genes: CFAP44 (cilia and flagella associated protein 44; minus strand), SPICE1-CFAP44 (SPICE1-CFAP44 readthrough (NMD candidate); minus strand). Cytogenetic location: 3q13.2.
Variant type: single nucleotide variant.
Coding change: c.1157A>G on transcript NM_001164496.2 (MANE Select); coding-DNA position 1157, A replaced by G.
Protein change: p.Asp386Gly; replaces aspartic acid 386 with glycine.
Molecular consequence: missense variant. On other transcripts: non-coding transcript variant (6).
Genome position (GRCh38, 1-based): chr3:113,403,865, T>C on the plus strand (A>G on the coding strand, the complement: CFAP44 is on the minus strand). VCF-style: chr3-113403865-T-C. GRCh37 (hg19) VCF-style: chr3-113122712-T-C.
Other names: c.1157A>G, p.Asp386Gly (NM_018338.3); short protein forms D386G.
Identifiers: ClinVar variation 4685074 (VCV004685074.1).
Genomic context (GRCh38, chr3:113,403,865, plus strand): 5'-CAAGTCTTAAACGTGGGTGCTACCATCCAAGTATCGAGAAAACTTACCCTAACATATCCA[T>C]CTGACCCAACAGTGATAACTTCACCCTCATACAGCATTATCTGGTTAATGGGACCATTGT-3'
Protein context (NP_001157968.1, residues 376-396): YEGEVITVGS[Asp386Gly]GYVRIWDFET

ClinVar aggregate classification (germline): Uncertain significance (1 of 4 stars; one submission).

gnomAD v4.1: 563 of 1,613,204 alleles (0.035%); highest among the groups gnomAD compares: Non-Finnish European, 0.027%; no homozygotes.

Submission:

GeneDx
Classification: Uncertain significance. Last evaluated: 2025-07-08. Review status: criteria provided, single submitter. Criteria: GeneDx Variant Classification Process June 2021. Collection method: clinical testing. Allele origin: germline. Affected: yes.
Comment: In silico analysis supports that this missense variant has a deleterious effect on protein structure/function; Has not been previously published as pathogenic or benign to our knowledge; In silico analysis is inconclusive as to whether the variant alters gene splicing. In the absence of RNA/functional studies, the actual effect of this sequence change is unknown.